The following is an entry in ClinVar:

NM_183235.3(RAB27A):c.342A>T (p.Ile114=)

Gene: RAB27A (RAB27A, member RAS oncogene family; minus strand). Cytogenetic location: 15q21.3.
Variant type: single nucleotide variant.
Coding change: c.342A>T on transcript NM_183235.3 (MANE Select); coding-DNA position 342, A replaced by T.
Protein change: p.Ile114=; no amino-acid change (isoleucine 114 retained).
Molecular consequence: synonymous variant.
Genome position (GRCh38, 1-based): chr15:55,228,610, T>A on the plus strand (A>T on the coding strand, the complement: RAB27A is on the minus strand). VCF-style: chr15-55228610-T-A. GRCh37 (hg19) VCF-style: chr15-55520808-T-A.
Other names: c.342A>T, p.Ile114= (NM_004580.5, NM_183234.3, NM_183236.3).
Identifiers: ClinVar variation 1008019 (VCV001008019.16), dbSNP rs1895903776, ClinGen allele CA490429186.

ClinVar aggregate classification (germline): Likely benign. Review status: criteria provided, multiple submitters, no conflicts (2 of 4 stars). 2 submissions from 2 submitters: Likely benign (2). Last evaluated 2025-03-01.

Conditions:
Griscelli syndrome type 2 (GS2). Also called: GRISCELLI SYNDROME WITH HEMOPHAGOCYTIC SYNDROME; PAID SYNDROME; PARTIAL ALBINISM AND IMMUNODEFICIENCY SYNDROME. Identifiers: Orphanet 381, Orphanet 79477, MedGen C1868679, MONDO:0011872, OMIM 607624.

Allele frequency attached by ClinVar (database versions not stated): TOPMed below 0.00001.

Submissions (2):

CeGaT Center for Human Genetics Tuebingen
Classification: Likely benign. Last evaluated: 2025-03-01. Review status: criteria provided, single submitter. Criteria: CeGaT Center For Human Genetics Tuebingen Variant Classification Criteria Version 2. Collection method: clinical testing. Allele origin: germline. Affected: yes. Observed: 1 variant allele.
Comment: RAB27A: PM2:Supporting, BP4, BP7

Labcorp Genetics (formerly Invitae), Labcorp
Classification: Likely benign for Griscelli syndrome type 2. Last evaluated: 2023-07-07. Review status: criteria provided, single submitter. Criteria: Invitae Variant Classification Sherloc (09022015). Collection method: clinical testing. Allele origin: germline.